The following is an entry in ClinVar:

ClinVar aggregate classification (germline): Uncertain significance (1 of 4 stars; one submission).

Conditions:
Inborn genetic diseases. Identifiers: MedGen C0950123, MeSH D030342.

Allele frequency attached by ClinVar (database versions not stated): gnomAD exomes 0.00003; ExAC 0.00005; gnomAD 0.00005; TOPMed 0.00005; 1000 Genomes Project 30x 0.00031; 1000 Genomes Project 0.00040.
gnomAD v4.1: 48 of 1,614,022 alleles (0.003%); highest among the groups gnomAD compares: East Asian, 0.067%; no homozygotes.

Submission:

Ambry Genetics
Classification: Uncertain significance for Inborn genetic diseases. Last evaluated: 2021-09-19. Review status: criteria provided, single submitter. Criteria: Ambry Variant Classification Scheme 2023. Collection method: clinical testing. Allele origin: germline.
Comment: The c.4095+6C>T intronic alteration consists of a C to T substitution nucleotides after coding exon 30 in the MED23 gene. Based on insufficient or conflicting evidence, the clinical significance of this alteration remains unclear.

NM_004830.4(MED23):c.4083C>T (p.Pro1361=)

Gene: MED23 (mediator complex subunit 23; minus strand). Cytogenetic location: 6q23.2.
Variant type: single nucleotide variant.
Coding change: c.4083C>T on transcript NM_004830.4 (MANE Select); coding-DNA position 4083, C replaced by T.
Protein change: p.Pro1361=; no amino-acid change (proline 1361 retained).
Molecular consequence: synonymous variant. On other transcripts: intron variant (4).
Genome position (GRCh38, 1-based): chr6:131,587,703, G>A on the plus strand (C>T on the coding strand, the complement: MED23 is on the minus strand). VCF-style: chr6-131587703-G-A. GRCh37 (hg19) VCF-style: chr6-131908843-G-A.
Other names: c.4101C>T, p.Pro1367= (NM_001376517.1); c.4029C>T, p.Pro1343= (NM_001376518.1); c.3945C>T, p.Pro1315= (NM_001376519.1); c.3942C>T, p.Pro1314= (NM_001376520.1); c.3912C>T, p.Pro1304= (NM_001376522.1); c.3828C>T, p.Pro1276= (NM_001376523.1); c.3696C>T, p.Pro1232= (NM_001376524.1); c.4077+6C>T (NM_001270521.2, NM_001270522.2); and 2 more.
Identifiers: ClinVar variation 2248921 (VCV002248921.2), dbSNP rs545346431, ClinGen allele CA3999458.